The following is an entry in ClinVar:

ClinVar aggregate classification (germline): Uncertain significance (1 of 4 stars; one submission).

Submission:

GeneDx
Classification: Uncertain significance. Last evaluated: 2025-08-04. Review status: criteria provided, single submitter. Criteria: GeneDx Variant Classification Process June 2021. Collection method: clinical testing. Allele origin: germline. Affected: yes.
Comment: Not observed at significant frequency in large population cohorts (gnomAD); In silico analysis supports that this missense variant has a deleterious effect on protein structure/function; Has not been previously published as pathogenic or benign to our knowledge

NM_032217.5(ANKRD17):c.3220G>A (p.Asp1074Asn)

Gene: ANKRD17 (ankyrin repeat domain 17; minus strand). Cytogenetic location: 4q13.3.
Variant type: single nucleotide variant.
Coding change: c.3220G>A on transcript NM_032217.5 (MANE Select); coding-DNA position 3220, G replaced by A.
Protein change: p.Asp1074Asn; replaces aspartic acid 1074 with asparagine.
Molecular consequence: missense variant.
Genome position (GRCh38, 1-based): chr4:73,135,131, C>T on the plus strand (G>A on the coding strand, the complement: ANKRD17 is on the minus strand). VCF-style: chr4-73135131-C-T. GRCh37 (hg19) VCF-style: chr4-74000848-C-T.
Other names: c.2881G>A, p.Asp961Asn (NM_001286771.3); c.3217G>A, p.Asp1073Asn (NM_015574.2); c.2467G>A, p.Asp823Asn (NM_198889.3); short protein forms D1073N, D1074N, D823N, D961N.
Identifiers: ClinVar variation 4755948 (VCV004755948.1).